The following is an entry in ClinVar:

NM_001852.4(COL9A2):c.384C>G (p.Gly128=)

Gene: COL9A2 (collagen type IX alpha 2 chain; minus strand). Cytogenetic location: 1p34.2.
Variant type: single nucleotide variant.
Coding change: c.384C>G on transcript NM_001852.4 (MANE Select); coding-DNA position 384, C replaced by G.
Protein change: p.Gly128=; no amino-acid change (glycine 128 retained).
Molecular consequence: synonymous variant.
Genome position (GRCh38, 1-based): chr1:40,312,092, G>C on the plus strand (C>G on the coding strand, the complement: COL9A2 is on the minus strand). VCF-style: chr1-40312092-G-C. GRCh37 (hg19) VCF-style: chr1-40777764-G-C.
Identifiers: ClinVar variation 2962421 (VCV002962421.5), dbSNP rs945661413, ClinGen allele CA21042089.

ClinVar aggregate classification (germline): Likely benign. Review status: criteria provided, multiple submitters, no conflicts (2 of 4 stars). 2 submissions from 2 submitters: Likely benign (2). Last evaluated 2026-05-01.

Allele frequency attached by ClinVar (database versions not stated): TOPMed 0.00001.
gnomAD v4.1: 17 of 1,602,468 alleles (0.0011%); highest among the groups gnomAD compares: Admixed American, 0.0017%; no homozygotes.

Submissions (2):

CeGaT Center for Human Genetics Tuebingen
Classification: Likely benign. Last evaluated: 2026-05-01. Review status: criteria provided, single submitter. Criteria: CeGaT Center For Human Genetics Tuebingen Variant Classification Criteria Version 2. Collection method: clinical testing. Allele origin: germline. Affected: yes. Observed: 1 variant allele.
Comment: COL9A2: BP4, BP7

Labcorp Genetics (formerly Invitae), Labcorp
Classification: Likely benign. Last evaluated: 2024-08-12. Review status: criteria provided, single submitter. Criteria: Invitae Variant Classification Sherloc (09022015). Collection method: clinical testing. Allele origin: germline.